The following is an entry in ClinVar:

ClinVar aggregate classification (germline): Uncertain significance (1 of 4 stars; one submission).

Conditions:
Cardiomyopathy (CMYO). Also called: Cardiomyopathies. Identifiers: Orphanet 167848, MedGen C0878544, MONDO:0004994, HP:0001638. Inheritance: Various modes of inheritance.

Submission:

Color Diagnostics, LLC DBA Color Health
Classification: Uncertain significance for Cardiomyopathy. Last evaluated: 2025-03-24. Review status: criteria provided, single submitter. Criteria: ACMG Guidelines, 2015. Collection method: clinical testing. Allele origin: germline.
Comment: This missense variant replaces alanine with glycine at codon 718 of the DSP protein. Computational prediction suggests that this variant may not impact protein structure and function (internally defined REVEL score threshold <= 0.5, PMID: 27666373). To our knowledge, functional studies have not been reported for this variant. This variant has not been reported in individuals affected with DSP-related disorders in the literature. This variant has not been identified in the general population by the Genome Aggregation Database (gnomAD). The available evidence is insufficient to determine the role of this variant in disease conclusively. Therefore, this variant is classified as a Variant of Uncertain Significance.

NM_004415.4(DSP):c.2153C>G (p.Ala718Gly)

Gene: DSP (desmoplakin; plus strand). Cytogenetic location: 6p24.3.
Variant type: single nucleotide variant.
Coding change: c.2153C>G on transcript NM_004415.4 (MANE Select); coding-DNA position 2153, C replaced by G.
Protein change: p.Ala718Gly; replaces alanine 718 with glycine.
Molecular consequence: missense variant.
Genome position (GRCh38, 1-based): chr6:7,574,108, C>G. VCF-style: chr6-7574108-C-G. GRCh37 (hg19) VCF-style: chr6-7574341-C-G.
Other names: c.2153C>G, p.Ala718Gly (NM_001008844.3, NM_001319034.2); short protein forms A718G.
Identifiers: ClinVar variation 3894272 (VCV003894272.1).